The following is an entry in ClinVar:

ClinVar aggregate classification (germline): Likely benign. Review status: criteria provided, multiple submitters, no conflicts (2 of 4 stars). 2 submissions from 2 submitters: Likely benign (2). Last evaluated 2025-08-29.

Conditions:
Multiple endocrine neoplasia, type 1 (MEN1). Also called: MEA I; MEN I; WERMER SYNDROME; Endocrine adenomatosis multiple; MEN 1. Identifiers: Orphanet 652, MedGen C0025267, MeSH D018761, MONDO:0007540, OMIM 131100.

Allele frequency attached by ClinVar (database versions not stated): gnomAD exomes below 0.00001.
gnomAD v4.1: 6 of 1,614,054 alleles (0.00037%); highest among the groups gnomAD compares: Non-Finnish European, 0.00051%; no homozygotes.

Submissions (2):

Labcorp Genetics (formerly Invitae), Labcorp
Classification: Likely benign for Multiple endocrine neoplasia, type 1. Last evaluated: 2025-08-29. Review status: criteria provided, single submitter. Criteria: Invitae Variant Classification Sherloc (09022015). Collection method: clinical testing. Allele origin: germline.

Myriad Genetics, Inc.
Classification: Likely benign for Multiple endocrine neoplasia, type 1. Last evaluated: 2024-11-01. Review status: criteria provided, single submitter. Criteria: Myriad Autosomal Dominant, Autosomal Recessive and X-Linked Classification Criteria (2023). Collection method: clinical testing. Allele origin: unknown.
Comment: This variant is considered likely benign. This variant is intronic and is not expected to impact mRNA splicing.

NM_001370259.2(MEN1):c.783+10G>C

Gene: MEN1 (menin 1; minus strand). Cytogenetic location: 11q13.1.
Variant type: single nucleotide variant.
Coding change: c.783+10G>C on transcript NM_001370259.2 (MANE Select); 10 bases into the intron after coding-DNA position 783, G replaced by C.
Molecular consequence: intron variant.
Genome position (GRCh38, 1-based): chr11:64,807,542, C>G on the plus strand (G>C on the coding strand, the complement: MEN1 is on the minus strand). VCF-style: chr11-64807542-C-G. GRCh37 (hg19) VCF-style: chr11-64575014-C-G.
Other names: c.798+10G>C (NM_130804.3, NM_130803.3, NM_000244.4 and 3 more transcripts); c.783+10G>C (NM_130799.3, NM_001370260.2, NM_001370251.2 and 1 more transcripts); c.678+10G>C (NM_001370263.2, NM_001370262.2).
Identifiers: ClinVar variation 1154663 (VCV001154663.10), dbSNP rs2136139524, ClinGen allele CA2499221159.
Genomic context (GRCh38, chr11:64,807,542, plus strand): 5'-CCCTGCCCAGGGTCCCACAGCAAGTCAAGTCTGGCCTAGCCCAGTCCTGCCCCATTGGCT[C>G]AGCCCTCACCTGCTGCAGCTGCAGAAGCTCCAGCGAGTCGGTGTGCAGGTCAATGGAAGG-3'